The following is an entry in ClinVar:

ClinVar aggregate classification (germline): Uncertain significance (1 of 4 stars; one submission).

Conditions:
Spondyloepimetaphyseal dysplasia, PAPSS2 type. Also called: BRACHYOLMIA TYPE 4 WITH MILD EPIPHYSEAL AND METAPHYSEAL CHANGES; SPONDYLODYSPLASIA AND PREMATURE PUBARCHE; SEMD, PAKISTANI TYPE. Identifiers: Orphanet 93282, MedGen C2748516, MONDO:0019666, OMIM 612847.

Submission:

Labcorp Genetics (formerly Invitae), Labcorp
Classification: Uncertain significance for Spondyloepimetaphyseal dysplasia, PAPSS2 type. Last evaluated: 2023-12-06. Review status: criteria provided, single submitter. Criteria: Invitae Variant Classification Sherloc (09022015). Collection method: clinical testing. Allele origin: germline.
Comment: This variant, c.429_431del, results in the deletion of 1 amino acid(s) of the PAPSS2 protein (p.Phe144del), but otherwise preserves the integrity of the reading frame. This variant is not present in population databases (gnomAD no frequency). This variant has not been reported in the literature in individuals affected with PAPSS2-related conditions. Experimental studies and prediction algorithms are not available or were not evaluated, and the functional significance of this variant is currently unknown. In summary, the available evidence is currently insufficient to determine the role of this variant in disease. Therefore, it has been classified as a Variant of Uncertain Significance.

NM_001015880.2(PAPSS2):c.429_431del (p.Phe144del)

Gene: PAPSS2 (3'-phosphoadenosine 5'-phosphosulfate synthase 2; plus strand). Cytogenetic location: 10q23.31.
Variant type: Deletion.
Coding change: c.429_431del on transcript NM_001015880.2 (MANE Select); coding-DNA positions 429 to 431, 3 bases deleted (CTT; older notation c.429_431delCTT).
Protein change: p.Phe144del; deletes phenylalanine 144.
Molecular consequence: inframe deletion.
Genome position (GRCh38, 1-based): chr10:87,714,091-87,714,093, CTT deleted; deleting any 3 consecutive bases within chr10:87,714,089-87,714,093 gives the same sequence; the c. name uses the placement nearest the transcript's 3' end. VCF-style (leftmost placement, unchanged base first): chr10-87714088-ATTC-A. GRCh37 (hg19) VCF-style: chr10-89473845-ATTC-A.
Other names: c.429_431del, p.Phe144del (NM_004670.4); short protein forms F144del.
Identifiers: ClinVar variation 2766015 (VCV002766015.3), dbSNP rs2492825261, ClinGen allele CA2697558542.